The following is an entry in ClinVar:

ClinVar aggregate classification (germline): Pathogenic (1 of 4 stars; one submission).

Conditions:
Duchenne muscular dystrophy (DMD). Also called: MUSCULAR DYSTROPHY, PSEUDOHYPERTROPHIC PROGRESSIVE, DUCHENNE TYPE; Duchenne Muscular Dystrophy (DMD). Identifiers: Orphanet 98896, MedGen C0013264, MONDO:0010679, OMIM 310200.

Submission:

Labcorp Genetics (formerly Invitae), Labcorp
Classification: Pathogenic for Duchenne muscular dystrophy. Last evaluated: 2021-06-05. Review status: criteria provided, single submitter. Criteria: Invitae Variant Classification Sherloc (09022015). Collection method: clinical testing. Allele origin: germline.
Comment: This variant is a gross deletion of the genomic region encompassing exon(s) 45-48 of the DMD gene. This variant would be expected to be in-frame, preserving the integrity of the reading frame. A similar copy number variant has been observed in individual(s) with Becker muscular dystrophy, Duchenne muscular dystrophy, and dilated cardiomyopathy (PMID: 26911353, 25244321, 24217213, 21851881). For these reasons, this variant has been classified as Pathogenic.

Literature cited by the submitters: PubMed 26911353; PubMed 25244321; PubMed 24217213; PubMed 21851881.

NC_000023.11:g.(?_31875178)_(31968524_?)del

Gene: DMD (dystrophin; minus strand). Cytogenetic location: Xp21.1.
Variant type: Deletion.
Identifiers: ClinVar variation 663956 (VCV000663956.3).